The following is an entry in ClinVar:

NM_001077446.4(TSEN34):c.295G>C (p.Ala99Pro)

Gene: TSEN34 (tRNA splicing endonuclease subunit 34; plus strand). Cytogenetic location: 19q13.42.
Variant type: single nucleotide variant.
Coding change: c.295G>C on transcript NM_001077446.4 (MANE Select); coding-DNA position 295, G replaced by C.
Protein change: p.Ala99Pro; replaces alanine 99 with proline.
Molecular consequence: missense variant.
Genome position (GRCh38, 1-based): chr19:54,191,772, G>C. VCF-style: chr19-54191772-G-C. GRCh37 (hg19) VCF-style: chr19-54695623-G-C.
Other names: c.295G>C, p.Ala99Pro (NM_001282332.2, NM_001282333.2, NM_001386740.1 and 1 more transcripts); short protein forms A99P.
Identifiers: ClinVar variation 1401794 (VCV001401794.8), dbSNP rs1171544968, ClinGen allele CA407762461.
Genomic context (GRCh38, chr19:54,191,772, plus strand): 5'-GCTTCTCAGGCCCTGACATCCTTCAAGCGCCAGCAAGAGGAGAGCTTCCAGGAGCAGAGC[G>C]CCTTGGCAGCTGAGGCCCGGGAGACCCGTCGTCAGGAGCTCCTGGAGAAGATTACGGAGG-3'
Protein context (NP_001070914.1, residues 89-109): QQEESFQEQS[Ala99Pro]LAAEARETRR

ClinVar aggregate classification (germline): Uncertain significance (1 of 4 stars; one submission).

Allele frequency attached by ClinVar (database versions not stated): gnomAD exomes below 0.00001.

Submission:

Labcorp Genetics (formerly Invitae), Labcorp
Classification: Uncertain significance. Last evaluated: 2021-06-19. Review status: criteria provided, single submitter. Criteria: Invitae Variant Classification Sherloc (09022015). Collection method: clinical testing. Allele origin: germline.
Comment: This sequence change replaces alanine with proline at codon 99 of the TSEN34 protein (p.Ala99Pro). The alanine residue is weakly conserved and there is a small physicochemical difference between alanine and proline. This variant is not present in population databases (ExAC no frequency). This variant has not been reported in the literature in individuals with TSEN34-related conditions. Algorithms developed to predict the effect of missense changes on protein structure and function are either unavailable or do not agree on the potential impact of this missense change (SIFT: "Not Available"; PolyPhen-2: "Benign"; Align-GVGD: "Not Available"). In summary, the available evidence is currently insufficient to determine the role of this variant in disease. Therefore, it has been classified as a Variant of Uncertain Significance.